The following is an entry in ClinVar:

ClinVar aggregate classification (germline): Uncertain significance (1 of 4 stars; one submission).

Conditions:
Legius syndrome. Identifiers: Orphanet 137605, MedGen C1969623, MONDO:0012669, OMIM 611431. Disease mechanism: loss of function.

Submission:

Labcorp Genetics (formerly Invitae), Labcorp
Classification: Uncertain significance for Legius syndrome. Last evaluated: 2022-05-18. Review status: criteria provided, single submitter. Criteria: Invitae Variant Classification Sherloc (09022015). Collection method: clinical testing. Allele origin: germline.
Comment: In summary, the available evidence is currently insufficient to determine the role of this variant in disease. Therefore, it has been classified as a Variant of Uncertain Significance. Algorithms developed to predict the effect of missense changes on protein structure and function (SIFT, PolyPhen-2, Align-GVGD) all suggest that this variant is likely to be tolerated. This variant has not been reported in the literature in individuals affected with SPRED1-related conditions. This variant is not present in population databases (gnomAD no frequency). This sequence change replaces alanine, which is neutral and non-polar, with glycine, which is neutral and non-polar, at codon 6 of the SPRED1 protein (p.Ala6Gly).

NM_152594.3(SPRED1):c.17C>G (p.Ala6Gly)

Gene: SPRED1 (sprouty related EVH1 domain containing 1; plus strand). Cytogenetic location: 15q14.
Variant type: single nucleotide variant.
Coding change: c.17C>G on transcript NM_152594.3 (MANE Select); coding-DNA position 17, C replaced by G.
Protein change: p.Ala6Gly; replaces alanine 6 with glycine.
Molecular consequence: missense variant.
Genome position (GRCh38, 1-based): chr15:38,253,202, C>G. VCF-style: chr15-38253202-C-G. GRCh37 (hg19) VCF-style: chr15-38545403-C-G.
Other names: short protein forms A6G.
Identifiers: ClinVar variation 1417521 (VCV001417521.6), dbSNP rs1490356893, ClinGen allele CA391931828.